The following is an entry in ClinVar:

NM_001127208.3(TET2):c.553C>G (p.Gln185Glu)

Genes: TET2 (tet methylcytosine dioxygenase 2; plus strand), TET2-AS1 (TET2 antisense RNA 1; minus strand). Cytogenetic location: 4q24.
Variant type: single nucleotide variant.
Coding change: c.553C>G on transcript NM_001127208.3 (MANE Select); coding-DNA position 553, C replaced by G.
Protein change: p.Gln185Glu; replaces glutamine 185 with glutamic acid.
Molecular consequence: missense variant.
Genome position (GRCh38, 1-based): chr4:105,234,495, C>G. VCF-style: chr4-105234495-C-G. GRCh37 (hg19) VCF-style: chr4-106155652-C-G.
Other names: c.553C>G, p.Gln185Glu (NM_017628.4); short protein forms Q185E.
Identifiers: ClinVar variation 3805988 (VCV003805988.1).
Genomic context (GRCh38, chr4:105,234,495, plus strand): 5'-AGTTTTTCAACACATAACTGCAGTGGGCCTGAAAATCCAGAGCTTCAGATTCTGAATGAG[C>G]AGGAGGGGAAAAGTGCTAATTACCATGACAAGAACATTGTATTACTTAAAAACAAGGCAG-3'
Protein context (NP_001120680.1, residues 175-195): ENPELQILNE[Gln185Glu]EGKSANYHDK

ClinVar aggregate classification (germline): Uncertain significance (1 of 4 stars; one submission).

Submission:

Ambry Genetics
Classification: Uncertain significance. Last evaluated: 2025-01-21. Review status: criteria provided, single submitter. Criteria: Ambry Variant Classification Scheme 2023. Collection method: clinical testing. Allele origin: germline.
Comment: The p.Q185E variant (also known as c.553C>G), located in coding exon 1 of the TET2 gene, results from a C to G substitution at nucleotide position 553. The glutamine at codon 185 is replaced by glutamic acid, an amino acid with highly similar properties. This amino acid position is conserved. In addition, this alteration is predicted to be tolerated by in silico analysis. Based on the available evidence, the clinical significance of this variant remains unclear.